The following is an entry in ClinVar:

ClinVar aggregate classification (germline): Uncertain significance (1 of 4 stars; one submission).

Submission:

GeneDx
Classification: Uncertain significance. Last evaluated: 2015-01-09. Review status: criteria provided, single submitter. Criteria: GeneDx Variant Classification (06012015). Collection method: clinical testing. Allele origin: germline. Affected: yes.
Comment: p.Pro582Arg (CCT>CGT): c.1745 C>G in exon 8 of the GRIN2B gene (NM_000834.3). The P582R variant has not been published as a mutation, nor has it been reported as a benign polymorphism to our knowledge. It was not observed in approximately 6,500 individuals of European and African American ancestry in the NHLBI Exome Sequencing Project, indicating it is not a common benign variant in these populations. The P582R variant is a non-conservative amino acid substitution, which is likely to impact secondary protein structure as these residues differ in polarity, charge, size and/or other properties. This substitution occurs at a position that is conserved across species, and in silico analysis predicts this variant is probably damaging to the protein structure/function. However, missense mutations in nearby residues have not been reported. Therefore, based on the currently available information, it is unclear whether this variant is a pathogenic mutation or a rare benign variant. The variant is found in EPILEPSY panel(s).

NM_000834.5(GRIN2B):c.1745C>G (p.Pro582Arg)

Gene: GRIN2B (glutamate ionotropic receptor NMDA type subunit 2B; minus strand). Cytogenetic location: 12p13.1.
Variant type: single nucleotide variant.
Coding change: c.1745C>G on transcript NM_000834.5 (MANE Select); coding-DNA position 1745, C replaced by G.
Protein change: p.Pro582Arg; replaces proline 582 with arginine.
Molecular consequence: missense variant.
Genome position (GRCh38, 1-based): chr12:13,611,760, G>C on the plus strand (C>G on the coding strand, the complement: GRIN2B is on the minus strand). VCF-style: chr12-13611760-G-C. GRCh37 (hg19) VCF-style: chr12-13764694-G-C.
Other names: p.P582R:CCT>CGT; short protein forms P582R.
Identifiers: ClinVar variation 205728 (VCV000205728.2), dbSNP rs796052581, ClinGen allele CA315083.